The following is an entry in ClinVar:

NM_006440.5(TXNRD2):c.958C>T (p.Pro320Ser)

Gene: TXNRD2 (thioredoxin reductase 2; minus strand). Cytogenetic location: 22q11.21.
Variant type: single nucleotide variant.
Coding change: c.958C>T on transcript NM_006440.5 (MANE Select); coding-DNA position 958, C replaced by T.
Protein change: p.Pro320Ser; replaces proline 320 with serine.
Molecular consequence: missense variant. On other transcripts: non-coding transcript variant (1).
Genome position (GRCh38, 1-based): chr22:19,883,453, G>A on the plus strand (C>T on the coding strand, the complement: TXNRD2 is on the minus strand). VCF-style: chr22-19883453-G-A. GRCh37 (hg19) VCF-style: chr22-19870976-G-A.
Other names: c.955C>T, p.Pro319Ser (NM_001352300.2); c.868C>T, p.Pro290Ser (NM_001352301.2); c.670C>T, p.Pro224Ser (NM_001352302.2); short protein forms P224S, P290S, P319S, P320S.
Identifiers: ClinVar variation 962328 (VCV000962328.10), dbSNP rs1938879786, ClinGen allele CA410683068.

ClinVar aggregate classification (germline): Uncertain significance. Review status: criteria provided, multiple submitters, no conflicts (2 of 4 stars). 2 submissions from 2 submitters: Uncertain significance (2). Last evaluated 2025-09-14.

Conditions:
Cardiovascular phenotype. Identifiers: MedGen CN230736.
Primary dilated cardiomyopathy (DCM). Also called: Dilated Cardiomyopathy. Identifiers: Orphanet 217604, MedGen C0007193, MeSH D002311, MONDO:0005021, HP:0001644. Inheritance: Various modes of inheritance.

Submissions (2):

Labcorp Genetics (formerly Invitae), Labcorp
Classification: Uncertain significance for Primary dilated cardiomyopathy. Last evaluated: 2025-09-14. Review status: criteria provided, single submitter. Criteria: Invitae Variant Classification Sherloc (09022015). Collection method: clinical testing. Allele origin: germline.
Comment: This sequence change replaces proline, which is neutral and non-polar, with serine, which is neutral and polar, at codon 320 of the TXNRD2 protein (p.Pro320Ser). This variant is not present in population databases (gnomAD no frequency). This variant has not been reported in the literature in individuals affected with TXNRD2-related conditions. ClinVar contains an entry for this variant (Variation ID: 962328). Invitae Evidence Modeling of protein sequence and biophysical properties (such as structural, functional, and spatial information, amino acid conservation, physicochemical variation, residue mobility, and thermodynamic stability) indicates that this missense variant is not expected to disrupt TXNRD2 protein function with a negative predictive value of 80%. In summary, the available evidence is currently insufficient to determine the role of this variant in disease. Therefore, it has been classified as a Variant of Uncertain Significance.

Ambry Genetics
Classification: Uncertain significance for Cardiovascular phenotype. Last evaluated: 2022-03-22. Review status: criteria provided, single submitter. Criteria: Ambry Variant Classification Scheme 2023. Collection method: clinical testing. Allele origin: germline.
Comment: The p.P320S variant (also known as c.958C>T), located in coding exon 12 of the TXNRD2 gene, results from a C to T substitution at nucleotide position 958. The proline at codon 320 is replaced by serine, an amino acid with similar properties. This amino acid position is conserved. In addition, the in silico prediction for this alteration is inconclusive. Since supporting evidence is limited at this time, the clinical significance of this alteration remains unclear.